The following is an entry in ClinVar:

ClinVar aggregate classification (germline): Likely benign (1 of 4 stars; one submission).

gnomAD v4.1: 576 of 1,614,154 alleles (0.036%); highest among the groups gnomAD compares: South Asian, 0.41%; 4 homozygotes.

Submission:

CeGaT Center for Human Genetics Tuebingen
Classification: Likely benign. Last evaluated: 2025-06-01. Review status: criteria provided, single submitter. Criteria: CeGaT Center For Human Genetics Tuebingen Variant Classification Criteria Version 2. Collection method: clinical testing. Allele origin: germline. Affected: yes. Observed: 1 variant allele.
Comment: C1orf94: BP4, BP7

NM_001134734.2(C1orf94):c.1419G>A (p.Thr473=)

Gene: C1orf94 (chromosome 1 open reading frame 94; plus strand). Cytogenetic location: 1p35.1.
Variant type: single nucleotide variant.
Coding change: c.1419G>A on transcript NM_001134734.2 (MANE Select); coding-DNA position 1419, G replaced by A.
Protein change: p.Thr473=; no amino-acid change (threonine 473 retained).
Molecular consequence: synonymous variant.
Genome position (GRCh38, 1-based): chr1:34,202,232, G>A. VCF-style: chr1-34202232-G-A. GRCh37 (hg19) VCF-style: chr1-34667833-G-A.
Other names: c.849G>A, p.Thr283= (NM_032884.5).
Identifiers: ClinVar variation 3904931 (VCV003904931.10).
Genomic context (GRCh38, chr1:34,202,232, plus strand): 5'-AGCAACCCTGAACCAGCCACTCTGGCTCAACCTGAACTATCCACCTCCACCAGTGTTCAC[G>A]AATCACTCTACCTTCTTGCAGTATCAGGTCAGTGAGCTGGCCTGGCTCTCCTGTGGACAT-3'
Protein context (NP_001128206.1, residues 463-483): NLNYPPPPVF[Thr473=]NHSTFLQYQG